The following is an entry in ClinVar:

ClinVar aggregate classification (germline): Pathogenic (1 of 4 stars; one submission).

Conditions:
PHGDH deficiency. Identifiers: Orphanet 79351, MedGen C1866174, MONDO:0011152, OMIM 601815.

Allele frequency attached by ClinVar (database versions not stated): ExAC 0.00001; gnomAD 0.00001; 1000 Genomes Project 30x 0.00016; 1000 Genomes Project 0.00020.
gnomAD v4.1: 1 of 1,614,118 alleles (0.000062%); highest among the groups gnomAD compares: African/African-American, 0.0013%; no homozygotes.

Submission:

Labcorp Genetics (formerly Invitae), Labcorp
Classification: Pathogenic for PHGDH deficiency. Last evaluated: 2023-01-01. Review status: criteria provided, single submitter. Criteria: Invitae Variant Classification Sherloc (09022015). Collection method: clinical testing. Allele origin: germline.
Comment: For these reasons, this variant has been classified as Pathogenic. This variant has not been reported in the literature in individuals affected with PHGDH-related conditions. This variant is not present in population databases (gnomAD no frequency). This sequence change creates a premature translational stop signal (p.Leu23*) in the PHGDH gene. It is expected to result in an absent or disrupted protein product. Loss-of-function variants in PHGDH are known to be pathogenic (PMID: 14645240, 24836451).

Literature cited by the submitters: PubMed 14645240; PubMed 24836451.

NM_006623.4(PHGDH):c.68T>A (p.Leu23Ter)

Gene: PHGDH (phosphoglycerate dehydrogenase; plus strand). Cytogenetic location: 1p12.
Variant type: single nucleotide variant.
Coding change: c.68T>A on transcript NM_006623.4 (MANE Select); coding-DNA position 68, T replaced by A.
Protein change: p.Leu23Ter; replaces leucine 23 with a stop codon.
Molecular consequence: nonsense.
Genome position (GRCh38, 1-based): chr1:119,712,090, T>A. VCF-style: chr1-119712090-T-A. GRCh37 (hg19) VCF-style: chr1-120254713-T-A.
Other names: short protein forms L23*.
Identifiers: ClinVar variation 2823257 (VCV002823257.3), dbSNP rs587615037, ClinGen allele CA1036909.